The following is an entry in ClinVar:

ClinVar aggregate classification (germline): Uncertain significance. Review status: criteria provided, multiple submitters, no conflicts (2 of 4 stars). 2 submissions from 2 submitters: Uncertain significance (2). Last evaluated 2024-03-24.

Conditions:
Malignant hyperthermia, susceptibility to, 5 (MHS5). Also called: CACNA1S-Related Malignant Hyperthermia Susceptibility. Identifiers: Orphanet 423, MedGen C1866077, MONDO:0011163, OMIM 601887.

gnomAD v4.1: 3 of 1,614,096 alleles (0.00019%); highest among the groups gnomAD compares: Non-Finnish European, 0.00025%; no homozygotes.

Submissions (2):

All of Us Research Program, National Institutes of Health
Classification: Uncertain significance for Malignant hyperthermia, susceptibility to, 5. Last evaluated: 2024-03-24. Review status: criteria provided, single submitter. Criteria: ACMG Guidelines, 2015. Collection method: clinical testing. Allele origin: germline. Inheritance: Autosomal dominant inheritance. Observed: 2 variant alleles, 2 heterozygotes.
Comment: This missense variant replaces glycine with arginine at codon 485 of the CACNA1S protein. Computational prediction suggests that this variant may have deleterious impact on protein structure and function (internally defined REVEL score threshold >= 0.7, PMID: 27666373). To our knowledge, functional studies have not been reported for this variant. This variant has not been reported in individuals affected with CACNA1S-related disorders in the literature. This variant has been identified in 3/282878 chromosomes in the general population by the Genome Aggregation Database (gnomAD). The available evidence is insufficient to determine the role of this variant in disease conclusively. Therefore, this variant is classified as a Variant of Uncertain Significance.

This study involves interpretation of variants in research participants for the purpose of population health screening. Participant phenotype was not available at the time of variant classification. Additional details can be found in publication PMID: 35346344, PMCID: PMC8962531

Color Diagnostics, LLC DBA Color Health
Classification: Uncertain significance for Malignant hyperthermia, susceptibility to, 5. Last evaluated: 2024-03-06. Review status: criteria provided, single submitter. Criteria: ACMG Guidelines, 2015. Collection method: clinical testing. Allele origin: germline.
Comment: This missense variant replaces glycine with arginine at codon 485 of the CACNA1S protein. Computational prediction suggests that this variant may have deleterious impact on protein structure and function (internally defined REVEL score threshold >= 0.7, PMID: 27666373). To our knowledge, functional studies have not been reported for this variant. This variant has not been reported in individuals affected with CACNA1S-related disorders in the literature. This variant has been identified in 3/282878 chromosomes in the general population by the Genome Aggregation Database (gnomAD). The available evidence is insufficient to determine the role of this variant in disease conclusively. Therefore, this variant is classified as a Variant of Uncertain Significance.

NM_000069.3(CACNA1S):c.1453G>C (p.Gly485Arg)

Gene: CACNA1S (calcium voltage-gated channel subunit alpha1 S; minus strand). Cytogenetic location: 1q32.1.
Variant type: single nucleotide variant.
Coding change: c.1453G>C on transcript NM_000069.3 (MANE Select); coding-DNA position 1453, G replaced by C.
Protein change: p.Gly485Arg; replaces glycine 485 with arginine.
Molecular consequence: missense variant.
Genome position (GRCh38, 1-based): chr1:201,078,045, C>G on the plus strand (G>C on the coding strand, the complement: CACNA1S is on the minus strand). VCF-style: chr1-201078045-C-G. GRCh37 (hg19) VCF-style: chr1-201047173-C-G.
Other names: short protein forms G485R.
Identifiers: ClinVar variation 3386380 (VCV003386380.2).